The following is an entry in ClinVar:

ClinVar aggregate classification (germline): Uncertain significance. Review status: criteria provided, multiple submitters, no conflicts (2 of 4 stars). 2 submissions from 2 submitters: Uncertain significance (2). Last evaluated 2025-04-12.

Conditions:
Inborn genetic diseases. Identifiers: MedGen C0950123, MeSH D030342.
Acyl-CoA oxidase deficiency. Also called: Peroxisomal acyl-CoA oxidase deficiency; STRAIGHT-CHAIN ACYL-CoA OXIDASE DEFICIENCY; Pseudoneonatal adrenoleukodystrophy. Identifiers: Orphanet 2971, MedGen C1849678, MONDO:0009919, OMIM 264470. Disease mechanism: loss of function.

Allele frequency attached by ClinVar (database versions not stated): gnomAD 0.00001; ExAC 0.00002; TOPMed 0.00004; ESP Exome Variant Server 0.00015.
gnomAD v4.1: 10 of 1,614,038 alleles (0.00062%); highest among the groups gnomAD compares: African/African-American, 0.0013%; no homozygotes.

Submissions (2):

Ambry Genetics
Classification: Uncertain significance for Inborn genetic diseases. Last evaluated: 2025-04-12. Review status: criteria provided, single submitter. Criteria: Ambry Variant Classification Scheme 2023. Collection method: clinical testing. Allele origin: germline.

Labcorp Genetics (formerly Invitae), Labcorp
Classification: Uncertain significance for Acyl-CoA oxidase deficiency. Last evaluated: 2022-06-24. Review status: criteria provided, single submitter. Criteria: Invitae Variant Classification Sherloc (09022015). Collection method: clinical testing. Allele origin: germline.
Comment: This sequence change replaces glutamine, which is neutral and polar, with histidine, which is basic and polar, at codon 361 of the ACOX1 protein (p.Gln361His). This variant is present in population databases (rs370762803, gnomAD 0.004%). This variant has not been reported in the literature in individuals affected with ACOX1-related conditions. Algorithms developed to predict the effect of missense changes on protein structure and function output the following: SIFT: "Tolerated"; PolyPhen-2: "Benign"; Align-GVGD: "Class C0". The histidine amino acid residue is found in multiple mammalian species, which suggests that this missense change does not adversely affect protein function. In summary, the available evidence is currently insufficient to determine the role of this variant in disease. Therefore, it has been classified as a Variant of Uncertain Significance.

NM_004035.7(ACOX1):c.1083A>T (p.Gln361His)

Gene: ACOX1 (acyl-CoA oxidase 1; minus strand). Cytogenetic location: 17q25.1.
Variant type: single nucleotide variant.
Coding change: c.1083A>T on transcript NM_004035.7 (MANE Select); coding-DNA position 1083, A replaced by T.
Protein change: p.Gln361His; replaces glutamine 361 with histidine.
Molecular consequence: missense variant.
Genome position (GRCh38, 1-based): chr17:75,951,439, T>A on the plus strand (A>T on the coding strand, the complement: ACOX1 is on the minus strand). VCF-style: chr17-75951439-T-A. GRCh37 (hg19) VCF-style: chr17-73947520-T-A.
Other names: c.969A>T, p.Gln323His (NM_001185039.2); c.1083A>T, p.Gln361His (NM_007292.6); c.1083A>T (NM_004035.6); short protein forms Q361H, Q323H.
Identifiers: ClinVar variation 2162066 (VCV002162066.2), dbSNP rs370762803, ClinGen allele CA8776851.